The following is an entry in ClinVar:

ClinVar aggregate classification (germline): Uncertain significance (1 of 4 stars; one submission).

Allele frequency attached by ClinVar (database versions not stated): gnomAD exomes 0.00001; ExAC 0.00001; gnomAD 0.00001.
gnomAD v4.1: 15 of 1,613,894 alleles (0.00093%); highest among the groups gnomAD compares: South Asian, 0.0044%; no homozygotes.

Submission:

Labcorp Genetics (formerly Invitae), Labcorp
Classification: Uncertain significance. Last evaluated: 2022-02-10. Review status: criteria provided, single submitter. Criteria: Invitae Variant Classification Sherloc (09022015). Collection method: clinical testing. Allele origin: germline.
Comment: This sequence change replaces arginine, which is basic and polar, with glutamine, which is neutral and polar, at codon 1668 of the SPEG protein (p.Arg1668Gln). This variant is present in population databases (rs750297716, gnomAD 0.003%). This variant has not been reported in the literature in individuals affected with SPEG-related conditions. Algorithms developed to predict the effect of missense changes on protein structure and function are either unavailable or do not agree on the potential impact of this missense change (SIFT: "Tolerated"; PolyPhen-2: "Probably Damaging"; Align-GVGD: "Class C0"). In summary, the available evidence is currently insufficient to determine the role of this variant in disease. Therefore, it has been classified as a Variant of Uncertain Significance.

NM_005876.5(SPEG):c.5003G>A (p.Arg1668Gln)

Gene: SPEG (striated muscle enriched protein kinase; plus strand). Cytogenetic location: 2q35.
Variant type: single nucleotide variant.
Coding change: c.5003G>A on transcript NM_005876.5 (MANE Select); coding-DNA position 5003, G replaced by A.
Protein change: p.Arg1668Gln; replaces arginine 1668 with glutamine.
Molecular consequence: missense variant.
Genome position (GRCh38, 1-based): chr2:219,478,081, G>A. VCF-style: chr2-219478081-G-A. GRCh37 (hg19) VCF-style: chr2-220342803-G-A.
Other names: short protein forms R1668Q.
Identifiers: ClinVar variation 1474197 (VCV001474197.5), dbSNP rs750297716, ClinGen allele CA2126695.